The following is an entry in ClinVar:

ClinVar aggregate classification (germline): Benign/Likely benign. Review status: criteria provided, multiple submitters, no conflicts (2 of 4 stars). 6 submissions from 6 submitters: Benign (4); Likely benign (2). Last evaluated 2026-02-03.

Conditions:
Inborn genetic diseases. Identifiers: MedGen C0950123, MeSH D030342.
Generalized epilepsy with febrile seizures plus, type 9 (GEFSP9). Also called: GEFS+, TYPE 9. Identifiers: Orphanet 36387, MedGen C4015395, MONDO:0014517, OMIM 616172.

Allele frequency attached by ClinVar (database versions not stated): ESP Exome Variant Server 0.00023; TOPMed 0.00061; gnomAD 0.00068 and 0.00078; ExAC 0.00084; 1000 Genomes Project 0.00100; gnomAD exomes 0.00103; 1000 Genomes Project 30x 0.00109.
gnomAD v4.1: 875 of 1,613,448 alleles (0.054%); highest among the groups gnomAD compares: East Asian, 0.91%; 6 homozygotes.

Submissions (6):

Labcorp Genetics (formerly Invitae), Labcorp
Classification: Benign for Generalized epilepsy with febrile seizures plus, type 9. Last evaluated: 2026-02-03. Review status: criteria provided, single submitter. Criteria: Invitae Variant Classification Sherloc (09022015). Collection method: clinical testing. Allele origin: germline.

CeGaT Center for Human Genetics Tuebingen
Classification: Likely benign. Last evaluated: 2025-12-01. Review status: criteria provided, single submitter. Criteria: CeGaT Center For Human Genetics Tuebingen Variant Classification Criteria Version 2. Collection method: clinical testing. Allele origin: germline. Affected: yes. Observed: 1 variant allele.
Comment: STX1B: BS1

Blueprint Genetics
Classification: Likely benign. Last evaluated: 2024-11-21. Review status: criteria provided, single submitter. Criteria: ACMG Guidelines, 2015. Collection method: clinical testing. Allele origin: germline.

Ambry Genetics
Classification: Benign for Inborn genetic diseases. Last evaluated: 2019-01-24. Review status: criteria provided, single submitter. Criteria: Ambry Variant Classification Scheme 2023. Collection method: clinical testing. Allele origin: germline.

GeneDx
Classification: Benign. Last evaluated: 2018-08-24. Review status: criteria provided, single submitter. Criteria: GeneDx Variant Classification Process June 2021. Collection method: clinical testing. Allele origin: germline. Affected: yes.

Athena Diagnostics
Classification: Benign. Last evaluated: 2018-02-19. Review status: criteria provided, single submitter. Criteria: Athena Diagnostics Criteria. Collection method: clinical testing. Allele origin: germline.

NM_052874.5(STX1B):c.538-5C>G

Gene: STX1B (syntaxin 1B; minus strand). Cytogenetic location: 16p11.2.
Variant type: single nucleotide variant.
Coding change: c.538-5C>G on transcript NM_052874.5 (MANE Select); 5 bases into the intron before coding-DNA position 538, C replaced by G.
Molecular consequence: intron variant.
Genome position (GRCh38, 1-based): chr16:30,993,489, G>C on the plus strand (C>G on the coding strand, the complement: STX1B is on the minus strand). VCF-style: chr16-30993489-G-C. GRCh37 (hg19) VCF-style: chr16-31004810-G-C.
Identifiers: ClinVar variation 475339 (VCV000475339.23), dbSNP rs145815305, ClinGen allele CA8018320.
Genomic context (GRCh38, chr16:30,993,489, plus strand): 5'-TGCCTCGTCTCAATCTCATTCAGCGCCTGCTTCGTCATCTGTGAGTCCATTTTGATCTAG[G>C]GTGACGAGGGAGAGAGCTACAATCACCCTTCTCCGCCATGAGCGCCTCCACCGCAGTGGA-3'